The following is an entry in ClinVar:

ClinVar aggregate classification (germline): Likely benign. Review status: criteria provided, single submitter (1 of 4 stars). 2 submissions from 2 submitters: Likely benign (1). 1 of the submissions does not count toward it. Last evaluated 2026-01-19.

Conditions:
SIN3A-related disorder. Also called: SIN3A-related condition.

Allele frequency attached by ClinVar (database versions not stated): gnomAD 0.00002 and 0.00003; gnomAD exomes 0.00007 and 0.00015; TOPMed 0.00008; ExAC 0.00012; 1000 Genomes Project 30x 0.00016; 1000 Genomes Project 0.00020.

Submissions (2):

Labcorp Genetics (formerly Invitae), Labcorp
Classification: Likely benign. Last evaluated: 2026-01-19. Review status: criteria provided, single submitter. Criteria: Invitae Variant Classification Sherloc (09022015). Collection method: clinical testing. Allele origin: germline.

PreventionGenetics, part of Exact Sciences
Classification: Likely benign for SIN3A-related condition. Last evaluated: 2024-02-20. Review status: no assertion criteria provided. Collection method: clinical testing. Allele origin: germline. Not counted in ClinVar's aggregate classification.
Comment: This variant is classified as likely benign based on ACMG/AMP sequence variant interpretation guidelines (Richards et al. 2015 PMID: 25741868, with internal and published modifications).

NM_001145358.2(SIN3A):c.202C>T (p.Pro68Ser)

Gene: SIN3A (SIN3 transcription regulator family member A; minus strand). Cytogenetic location: 15q24.2.
Variant type: single nucleotide variant.
Coding change: c.202C>T on transcript NM_001145358.2 (MANE Select); coding-DNA position 202, C replaced by T.
Protein change: p.Pro68Ser; replaces proline 68 with serine.
Molecular consequence: missense variant.
Genome position (GRCh38, 1-based): chr15:75,422,811, G>A on the plus strand (C>T on the coding strand, the complement: SIN3A is on the minus strand). VCF-style: chr15-75422811-G-A. GRCh37 (hg19) VCF-style: chr15-75715152-G-A.
Other names: c.202C>T, p.Pro68Ser (NM_001145357.2, NM_015477.3); short protein forms P68S.
Identifiers: ClinVar variation 721398 (VCV000721398.11), dbSNP rs202026848, ClinGen allele CA7667945.